The following is an entry in ClinVar:

NM_152703.5(SAMD9L):c.2380G>A (p.Asp794Asn)

Gene: SAMD9L (sterile alpha motif domain containing 9 like; minus strand). Cytogenetic location: 7q21.2.
Variant type: single nucleotide variant.
Coding change: c.2380G>A on transcript NM_152703.5 (MANE Select); coding-DNA position 2380, G replaced by A.
Protein change: p.Asp794Asn; replaces aspartic acid 794 with asparagine.
Molecular consequence: missense variant.
Genome position (GRCh38, 1-based): chr7:93,133,592, C>T on the plus strand (G>A on the coding strand, the complement: SAMD9L is on the minus strand). VCF-style: chr7-93133592-C-T. GRCh37 (hg19) VCF-style: chr7-92762905-C-T.
Other names: c.2380G>A (NM_152703.2); c.2380G>A, p.Asp794Asn (NM_001303496.3, NM_001303497.3, NM_001303498.3 and 5 more transcripts); short protein forms D794N.
Identifiers: ClinVar variation 4743446 (VCV004743446.2).
Genomic context (GRCh38, chr7:93,133,592, plus strand): 5'-GAAAGTAGACATTTTCTTGTTCTTCAAAATCATCCACAAGGAGAAGCACAGGAATGTAAT[C>T]CTGATGGCTCTTTGCCCTATAGGTGACCAGATTGATCACTTGCTCTGCAATTTCTGCAAA-3'
Protein context (NP_689916.2, residues 784-804): LVTYRAKSHQ[Asp794Asn]YIPVLLLVDD

ClinVar aggregate classification (germline): Uncertain significance. Review status: criteria provided, multiple submitters, no conflicts (2 of 4 stars). 2 submissions from 2 submitters: Uncertain significance (2). Last evaluated 2026-01-18.

Conditions:
Inborn genetic diseases. Identifiers: MedGen C0950123, MeSH D030342.

Submissions (2):

Ambry Genetics
Classification: Uncertain significance for Inborn genetic diseases. Last evaluated: 2026-01-18. Review status: criteria provided, single submitter. Criteria: Ambry Variant Classification Scheme 2023. Collection method: clinical testing. Allele origin: germline.
Comment: The p.D794N variant (also known as c.2380G>A), located in coding exon 1 of the SAMD9L gene, results from a G to A substitution at nucleotide position 2380. The aspartic acid at codon 794 is replaced by asparagine, an amino acid with highly similar properties. This amino acid position is conserved. In addition, this alteration is predicted to be tolerated by in silico analysis. Based on the available evidence, the clinical significance of this variant remains unclear.

Labcorp Genetics (formerly Invitae), Labcorp
Classification: Uncertain significance. Last evaluated: 2025-04-17. Review status: criteria provided, single submitter. Criteria: Invitae Variant Classification Sherloc (09022015). Collection method: clinical testing. Allele origin: germline.
Comment: This sequence change replaces aspartic acid, which is acidic and polar, with asparagine, which is neutral and polar, at codon 794 of the SAMD9L protein (p.Asp794Asn). This variant is not present in population databases (gnomAD no frequency). This variant has not been reported in the literature in individuals affected with SAMD9L-related conditions. Invitae Evidence Modeling of protein sequence and biophysical properties (such as structural, functional, and spatial information, amino acid conservation, physicochemical variation, residue mobility, and thermodynamic stability) indicates that this missense variant is not expected to disrupt SAMD9L protein function with a negative predictive value of 80%. In summary, the available evidence is currently insufficient to determine the role of this variant in disease. Therefore, it has been classified as a Variant of Uncertain Significance.